The following is an entry in ClinVar:

ClinVar aggregate classification (germline): Uncertain significance (1 of 4 stars; one submission).

Conditions:
Familial thoracic aortic aneurysm and aortic dissection (TAAD). Also called: Thoracic aortic aneurysms and dissections. Identifiers: Orphanet 91387, MedGen C4707243, MONDO:0019625.

Allele frequency attached by ClinVar (database versions not stated): gnomAD exomes below 0.00001.
gnomAD v4.1: 1 of 1,614,198 alleles (0.000062%); highest among the groups gnomAD compares: Non-Finnish European, 0.000085%; no homozygotes.

Submission:

Color Diagnostics, LLC DBA Color Health
Classification: Uncertain significance for Familial thoracic aortic aneurysm and aortic dissection. Last evaluated: 2023-12-05. Review status: criteria provided, single submitter. Criteria: ACMG Guidelines, 2015. Collection method: clinical testing. Allele origin: germline.
Comment: This missense variant replaces aspartic acid with asparagine at codon 430 of the TGFBR2 protein. Computational prediction tools and conservation analyses suggest that this variant may have deleterious impact on protein structure and function. Splice site prediction tools suggest that this variant may not impact RNA splicing. To our knowledge, functional studies have not been performed for this variant. This variant has not been reported in individuals affected with cardiovascular disorders in the literature. This variant has not been identified in the general population by the Genome Aggregation Database (gnomAD). The available evidence is insufficient to determine the role of this variant in disease conclusively. Therefore, this variant is classified as a Variant of Uncertain Significance.

NM_003242.6(TGFBR2):c.1213G>A (p.Asp405Asn)

Gene: TGFBR2 (transforming growth factor beta receptor 2; plus strand). Cytogenetic location: 3p24.1.
Variant type: single nucleotide variant.
Coding change: c.1213G>A on transcript NM_003242.6 (MANE Select); coding-DNA position 1213, G replaced by A.
Protein change: p.Asp405Asn; replaces aspartic acid 405 with asparagine.
Molecular consequence: missense variant.
Genome position (GRCh38, 1-based): chr3:30,672,396, G>A. VCF-style: chr3-30672396-G-A. GRCh37 (hg19) VCF-style: chr3-30713888-G-A.
Other names: c.928G>A, p.Asp310Asn (NM_001407137.1); c.853G>A, p.Asp285Asn (NM_001407138.1); c.1288G>A, p.Asp430Asn (NM_001024847.3); c.1396G>A, p.Asp466Asn (NM_001407126.1); c.1321G>A, p.Asp441Asn (NM_001407127.1); c.1240G>A, p.Asp414Asn (NM_001407128.1); c.1216G>A, p.Asp406Asn (NM_001407129.1); c.1213G>A, p.Asp405Asn (NM_001407130.1); and 1 more; short protein forms D405N, D430N, D370N, D441N, D285N, D310N, D414N, D406N.
Identifiers: ClinVar variation 925075 (VCV000925075.6), dbSNP rs1699360600, ClinGen allele CA351808769.